The following is an entry in ClinVar:

NM_003243.5(TGFBR3):c.1866+6A>T

Gene: TGFBR3 (transforming growth factor beta receptor 3; minus strand). Cytogenetic location: 1p22.1.
Variant type: single nucleotide variant.
Coding change: c.1866+6A>T on transcript NM_003243.5 (MANE Select); 6 bases into the intron after coding-DNA position 1866, A replaced by T.
Molecular consequence: intron variant.
Genome position (GRCh38, 1-based): chr1:91,716,230, T>A on the plus strand (A>T on the coding strand, the complement: TGFBR3 is on the minus strand). VCF-style: chr1-91716230-T-A. GRCh37 (hg19) VCF-style: chr1-92181787-T-A.
Other names: c.1863+6A>T (NM_001195684.1, NM_001195683.2).
Identifiers: ClinVar variation 3049234 (VCV003049234.2), dbSNP rs116282609, ClinGen allele CA947688.

ClinVar aggregate classification (germline): Likely benign (0 of 4 stars; one submission).

Conditions:
TGFBR3-related disorder. Also called: TGFBR3-related condition.

Allele frequency attached by ClinVar (database versions not stated): gnomAD exomes 0.00016; ExAC 0.00055; 1000 Genomes Project 30x 0.00172; 1000 Genomes Project 0.00180; TOPMed 0.00194; gnomAD 0.00198; ESP Exome Variant Server 0.00200.
gnomAD v4.1: 552 of 1,614,062 alleles (0.034%); highest among the groups gnomAD compares: African/African-American, 0.65%; 3 homozygotes.

Submission:

PreventionGenetics, part of Exact Sciences
Classification: Likely benign for TGFBR3-related condition. Last evaluated: 2019-12-11. Review status: no assertion criteria provided. Collection method: clinical testing. Allele origin: germline.
Comment: This variant is classified as likely benign based on ACMG/AMP sequence variant interpretation guidelines (Richards et al. 2015 PMID: 25741868, with internal and published modifications).